The following is an entry in ClinVar:

ClinVar aggregate classification (germline): Uncertain significance (1 of 4 stars; one submission).

Submission:

Labcorp Genetics (formerly Invitae), Labcorp
Classification: Uncertain significance. Last evaluated: 2026-01-22. Review status: criteria provided, single submitter. Criteria: Invitae Variant Classification Sherloc (09022015). Collection method: clinical testing. Allele origin: germline.
Comment: This sequence change replaces glutamine, which is neutral and polar, with arginine, which is basic and polar, at codon 891 of the CDH23 protein (p.Gln891Arg). This variant is not present in population databases (gnomAD no frequency). This variant has not been reported in the literature in individuals affected with CDH23-related conditions. Invitae Evidence Modeling of protein sequence and biophysical properties (such as structural, functional, and spatial information, amino acid conservation, physicochemical variation, residue mobility, and thermodynamic stability) has been performed for this missense variant. However, the output from this modeling did not meet the statistical confidence thresholds required to predict the impact of this variant on CDH23 protein function. In summary, the available evidence is currently insufficient to determine the role of this variant in disease. Therefore, it has been classified as a Variant of Uncertain Significance.

NM_022124.6(CDH23):c.2672A>G (p.Gln891Arg)

Gene: CDH23 (cadherin related 23; plus strand). Cytogenetic location: 10q22.1.
Variant type: single nucleotide variant.
Coding change: c.2672A>G on transcript NM_022124.6 (MANE Select); coding-DNA position 2672, A replaced by G.
Protein change: p.Gln891Arg; replaces glutamine 891 with arginine.
Molecular consequence: missense variant.
Genome position (GRCh38, 1-based): chr10:71,702,633, A>G. VCF-style: chr10-71702633-A-G. GRCh37 (hg19) VCF-style: chr10-73462390-A-G.
Other names: c.2672A>G, p.Gln891Arg (NM_001171930.2, NM_001171931.2); short protein forms Q891R.
Identifiers: ClinVar variation 4806870 (VCV004806870.1).